The following is an entry in ClinVar:

ClinVar aggregate classification (germline): Uncertain significance (1 of 4 stars; one submission).

Conditions:
Norman-Roberts syndrome (LIS2). Also called: Lissencephaly 2 (Norman-Roberts type). Identifiers: Orphanet 89844, MedGen C0796089, MONDO:0009760, OMIM 257320.
Familial temporal lobe epilepsy 7. Identifiers: Orphanet 101046, MedGen C4225327, MONDO:0014639, OMIM 616436.

Submission:

Labcorp Genetics (formerly Invitae), Labcorp
Classification: Uncertain significance for Familial temporal lobe epilepsy 7; Norman-Roberts syndrome. Last evaluated: 2022-09-27. Review status: criteria provided, single submitter. Criteria: Invitae Variant Classification Sherloc (09022015). Collection method: clinical testing. Allele origin: germline.
Comment: This sequence change replaces cysteine, which is neutral and slightly polar, with glycine, which is neutral and non-polar, at codon 691 of the RELN protein (p.Cys691Gly). In summary, the available evidence is currently insufficient to determine the role of this variant in disease. Therefore, it has been classified as a Variant of Uncertain Significance. Algorithms developed to predict the effect of missense changes on protein structure and function are either unavailable or do not agree on the potential impact of this missense change (SIFT: "Deleterious"; PolyPhen-2: "Possibly Damaging"; Align-GVGD: "Class C0"). ClinVar contains an entry for this variant (Variation ID: 568809). This variant has not been reported in the literature in individuals affected with RELN-related conditions. This variant is not present in population databases (gnomAD no frequency).

NM_005045.4(RELN):c.2071T>G (p.Cys691Gly)

Gene: RELN (reelin; minus strand). Cytogenetic location: 7q22.1.
Variant type: single nucleotide variant.
Coding change: c.2071T>G on transcript NM_005045.4 (MANE Select); coding-DNA position 2071, T replaced by G.
Protein change: p.Cys691Gly; replaces cysteine 691 with glycine.
Molecular consequence: missense variant.
Genome position (GRCh38, 1-based): chr7:103,636,467, A>C on the plus strand (T>G on the coding strand, the complement: RELN is on the minus strand). VCF-style: chr7-103636467-A-C. GRCh37 (hg19) VCF-style: chr7-103276914-A-C.
Other names: c.2071T>G, p.Cys691Gly (NM_173054.3); short protein forms C691G.
Identifiers: ClinVar variation 568809 (VCV000568809.8), dbSNP rs1562933794, ClinGen allele CA368762264.